The following is an entry in ClinVar:

ClinVar aggregate classification (germline): Benign (0 of 4 stars; one submission).

Conditions:
DPH1-related disorder. Also called: DPH1-related condition.

Allele frequency attached by ClinVar (database versions not stated): TOPMed 0.05797; ExAC 0.05798; ESP Exome Variant Server 0.06455; gnomAD exomes 0.07288; 1000 Genomes Project 0.03714; 1000 Genomes Project 30x 0.03841; gnomAD 0.05651.
gnomAD v4.1: 115,347 of 1,613,962 alleles (7.1%); highest among the groups gnomAD compares: Middle Eastern, 12%; 4,693 homozygotes.

Submission:

PreventionGenetics, part of Exact Sciences
Classification: Benign for DPH1-related condition. Last evaluated: 2019-07-08. Review status: no assertion criteria provided. Collection method: clinical testing. Allele origin: germline.
Comment: This variant is classified as benign based on ACMG/AMP sequence variant interpretation guidelines (Richards et al. 2015 PMID: 25741868, with internal and published modifications).

NM_001383.6(DPH1):c.549G>A (p.Ser183=)

Gene: DPH1 (diphthamide biosynthesis 1; plus strand). Cytogenetic location: 17p13.3.
Variant type: single nucleotide variant.
Coding change: c.549G>A on transcript NM_001383.6 (MANE Select); coding-DNA position 549, G replaced by A.
Protein change: p.Ser183=; no amino-acid change (serine 183 retained).
Molecular consequence: synonymous variant. On other transcripts: non-coding transcript variant (2), intron variant (1).
Genome position (GRCh38, 1-based): chr17:2,036,677, G>A. VCF-style: chr17-2036677-G-A. GRCh37 (hg19) VCF-style: chr17-1939971-G-A.
Other names: c.564G>A, p.Ser188= (NM_001346574.1); c.144G>A, p.Ser48= (NM_001346576.2); c.540+24G>A (NM_001346575.1).
Identifiers: ClinVar variation 3056642 (VCV003056642.2), dbSNP rs61753099, ClinGen allele CA8277025.